The following is an entry in ClinVar:

ClinVar aggregate classification (germline): Benign. Review status: criteria provided, multiple submitters, no conflicts (2 of 4 stars). 3 submissions from 3 submitters: Benign (3). Last evaluated 2023-04-11.

Conditions:
Catecholaminergic polymorphic ventricular tachycardia 2. Also called: CASQ2-Related Catecholaminergic Polymorphic Ventricular Tachycardia; VENTRICULAR TACHYCARDIA, STRESS-INDUCED POLYMORPHIC 2. Identifiers: Orphanet 3286, MedGen C2677794, MONDO:0012762, OMIM 611938.

Allele frequency attached by ClinVar (database versions not stated): gnomAD exomes 0.00149 and 0.00382; ExAC 0.00516; gnomAD 0.01403 and 0.01521; 1000 Genomes Project 30x 0.01437; 1000 Genomes Project 0.01438; ESP Exome Variant Server 0.01592; TOPMed 0.01675.
gnomAD v4.1: 4,291 of 1,519,058 alleles (0.28%); highest among the groups gnomAD compares: African/African-American, 5.1%; 124 homozygotes.

Submissions (3):

Genome-Nilou Lab
Classification: Benign for Catecholaminergic polymorphic ventricular tachycardia 2. Last evaluated: 2023-04-11. Review status: criteria provided, single submitter. Criteria: ACMG Guidelines, 2015. Collection method: clinical testing. Allele origin: germline. Affected: no.

Illumina Laboratory Services, Illumina
Classification: Benign for Catecholaminergic polymorphic ventricular tachycardia 2. Last evaluated: 2018-01-13. Review status: criteria provided, single submitter. Criteria: ICSL Variant Classification Criteria 13 December 2019. Collection method: clinical testing. Allele origin: germline.
Comment: This variant was observed in the ICSL laboratory as part of a predisposition screen in an ostensibly healthy population. It had not been previously curated by ICSL or reported in the Human Gene Mutation Database (HGMD: prior to June 1st, 2018), and was therefore a candidate for classification through an automated scoring system. Utilizing variant allele frequency, disease prevalence and penetrance estimates, and inheritance mode, an automated score was calculated to assess if this variant is too frequent to cause the disease. Based on the score and internal cut-off values, a variant classified as benign is not then subjected to further curation. The score for this variant resulted in a classification of benign for this disease.

GeneDx
Classification: Benign. Last evaluated: 2013-05-20. Review status: criteria provided, single submitter. Criteria: GeneDx Variant Classification (06012015). Collection method: clinical testing. Allele origin: germline. Affected: yes.
Comment: This variant is considered likely benign or benign based on one or more of the following criteria: it is a conservative change, it occurs at a poorly conserved position in the protein, it is predicted to be benign by multiple in silico algorithms, and/or has population frequency not consistent with disease.

NM_001232.4(CASQ2):c.-21G>A

Gene: CASQ2 (calsequestrin 2; minus strand). Cytogenetic location: 1p13.1.
Variant type: single nucleotide variant.
Coding change: c.-21G>A on transcript NM_001232.4 (MANE Select); 21 bases upstream of the start codon, G replaced by A.
Molecular consequence: 5 prime UTR variant.
Genome position (GRCh38, 1-based): chr1:115,768,562, C>T on the plus strand (G>A on the coding strand, the complement: CASQ2 is on the minus strand). VCF-style: chr1-115768562-C-T. GRCh37 (hg19) VCF-style: chr1-116311183-C-T.
Identifiers: ClinVar variation 136658 (VCV000136658.6), dbSNP rs12067472, ClinGen allele CA289959.